The following is an entry in ClinVar:

NM_004431.5(EPHA2):c.2845G>A (p.Val949Met)

Gene: EPHA2 (EPH receptor A2; minus strand). Cytogenetic location: 1p36.13.
Variant type: single nucleotide variant.
Coding change: c.2845G>A on transcript NM_004431.5 (MANE Select); coding-DNA position 2845, G replaced by A.
Protein change: p.Val949Met; replaces valine 949 with methionine.
Molecular consequence: missense variant.
Genome position (GRCh38, 1-based): chr1:16,125,301, C>T on the plus strand (G>A on the coding strand, the complement: EPHA2 is on the minus strand). VCF-style: chr1-16125301-C-T. GRCh37 (hg19) VCF-style: chr1-16451796-C-T.
Other names: c.2845G>A (NM_004431.4); c.2683G>A, p.Val895Met (NM_001329090.2); short protein forms V949M, V895M.
Identifiers: ClinVar variation 4958406 (VCV004958406.2).

ClinVar aggregate classification (germline): Conflicting classifications of pathogenicity. Review status: criteria provided, conflicting classifications (1 of 4 stars). 2 submissions from 2 submitters: Uncertain significance (1); Likely benign (1). Last evaluated 2024-12-06.

Conditions:
EPHA2-related disorder. Also called: EPHA2-related condition.

gnomAD v4.1: 53 of 1,613,296 alleles (0.0033%); highest among the groups gnomAD compares: Non-Finnish European, 0.0012%; no homozygotes.

Submissions (2):

PreventionGenetics, part of Exact Sciences
Classification: Likely benign for EPHA2-related condition. Last evaluated: 2024-12-06. Review status: criteria provided, single submitter. Criteria: ACMG Guidelines, 2015. Collection method: clinical testing. Allele origin: germline.
Comment: This variant is classified as likely benign based on ACMG/AMP sequence variant interpretation guidelines (Richards et al. 2015 PMID: 25741868, with internal and published modifications).

Blueprint Genetics
Classification: Uncertain significance. Last evaluated: 2023-11-14. Review status: criteria provided, single submitter. Criteria: ACMG Guidelines, 2015. Collection method: clinical testing. Allele origin: germline.